The following is an entry in ClinVar:

ClinVar aggregate classification (germline): Uncertain significance (1 of 4 stars; one submission).

Conditions:
Hereditary cancer-predisposing syndrome. Also called: Neoplastic Syndromes, Hereditary; Tumor predisposition; Hereditary neoplastic syndrome; Hereditary Cancer Syndrome. Identifiers: Orphanet 140162, MedGen C0027672, MeSH D009386, MONDO:0015356.

Submission:

Ambry Genetics
Classification: Uncertain significance for Hereditary cancer-predisposing syndrome. Last evaluated: 2026-08-05. Review status: criteria provided, single submitter. Criteria: Ambry Variant Classification Scheme 2023. Collection method: clinical testing. Allele origin: germline.
Comment: The c.1283delC variant, located in coding exon 9 of the STK11 gene, results from a deletion of one nucleotide at nucleotide position 1283, causing a translational frameshift with a predicted alternate stop codon (p.S428Wfs*82). This variant occurs at the 3' terminus of the gene, is not expected to trigger nonsense-mediated mRNAdecay and results in the elongation of the protein by 76 amino acids. This frameshift impacts the last 1.4% of the native protein. The exact functional effect of the altered amino acids is unknown. Based on the available evidence, the clinical significance of this variant remains unclear.

NM_000455.5(STK11):c.1283del (p.Ser428fs)

Gene: STK11 (serine/threonine kinase 11; plus strand). Cytogenetic location: 19p13.3.
Variant type: Deletion.
Coding change: c.1283del on transcript NM_000455.5 (MANE Select); coding-DNA position 1283, one base deleted (C; older notation c.1283delC).
Protein change: p.Ser428fs; shifts the reading frame from serine 428.
Molecular consequence: frameshift variant. On other transcripts: non-coding transcript variant (1).
Genome position (GRCh38, 1-based): chr19:1,226,628, C deleted. VCF-style (leftmost placement, unchanged base first): chr19-1226627-TC-T. GRCh37 (hg19) VCF-style: chr19-1226626-TC-T.
Other names: short protein forms S428fs.
Identifiers: ClinVar variation 5030319 (VCV005030319.1).